The following is an entry in ClinVar:

NM_003136.4(SRP54):c.458C>T (p.Thr153Ile)

Gene: SRP54 (signal recognition particle 54; plus strand). Cytogenetic location: 14q13.2.
Variant type: single nucleotide variant.
Coding change: c.458C>T on transcript NM_003136.4 (MANE Select); coding-DNA position 458, C replaced by T.
Protein change: p.Thr153Ile; replaces threonine 153 with isoleucine.
Molecular consequence: missense variant.
Genome position (GRCh38, 1-based): chr14:35,008,804, C>T. VCF-style: chr14-35008804-C-T. GRCh37 (hg19) VCF-style: chr14-35478010-C-T.
Other names: c.311C>T, p.Thr104Ile (NM_001146282.2); c.458C>T, p.Thr153Ile (NM_001411017.1); short protein forms T104I, T153I.
Identifiers: ClinVar variation 3664199 (VCV003664199.2).

ClinVar aggregate classification (germline): Uncertain significance (1 of 4 stars; one submission).

Submission:

Labcorp Genetics (formerly Invitae), Labcorp
Classification: Uncertain significance. Last evaluated: 2024-09-01. Review status: criteria provided, single submitter. Criteria: Invitae Variant Classification Sherloc (09022015). Collection method: clinical testing. Allele origin: germline.
Comment: This sequence change replaces threonine, which is neutral and polar, with isoleucine, which is neutral and non-polar, at codon 153 of the SRP54 protein (p.Thr153Ile). This variant is not present in population databases (gnomAD no frequency). This variant has not been reported in the literature in individuals affected with SRP54-related conditions. Invitae Evidence Modeling of protein sequence and biophysical properties (such as structural, functional, and spatial information, amino acid conservation, physicochemical variation, residue mobility, and thermodynamic stability) indicates that this missense variant is not expected to disrupt SRP54 protein function with a negative predictive value of 80%. In summary, the available evidence is currently insufficient to determine the role of this variant in disease. Therefore, it has been classified as a Variant of Uncertain Significance.